The following is an entry in ClinVar:

NM_001134363.3(RBM20):c.809C>T (p.Thr270Ile)

Gene: RBM20 (RNA binding motif protein 20; plus strand). Cytogenetic location: 10q25.2.
Variant type: single nucleotide variant.
Coding change: c.809C>T on transcript NM_001134363.3 (MANE Select); coding-DNA position 809, C replaced by T.
Protein change: p.Thr270Ile; replaces threonine 270 with isoleucine.
Molecular consequence: missense variant.
Genome position (GRCh38, 1-based): chr10:110,781,418, C>T. VCF-style: chr10-110781418-C-T. GRCh37 (hg19) VCF-style: chr10-112541176-C-T.
Other names: short protein forms T270I.
Identifiers: ClinVar variation 1959869 (VCV001959869.5), dbSNP rs2493411857, ClinGen allele CA378383458.

ClinVar aggregate classification (germline): Uncertain significance (1 of 4 stars; one submission).

Conditions:
Dilated cardiomyopathy 1DD (CMD1DD). Identifiers: Orphanet 154, MedGen C2750995, MONDO:0013168, OMIM 613172.

Submission:

Labcorp Genetics (formerly Invitae), Labcorp
Classification: Uncertain significance for Dilated cardiomyopathy 1DD. Last evaluated: 2023-03-26. Review status: criteria provided, single submitter. Criteria: Invitae Variant Classification Sherloc (09022015). Collection method: clinical testing. Allele origin: germline.
Comment: In summary, the available evidence is currently insufficient to determine the role of this variant in disease. Therefore, it has been classified as a Variant of Uncertain Significance. Advanced modeling of protein sequence and biophysical properties (such as structural, functional, and spatial information, amino acid conservation, physicochemical variation, residue mobility, and thermodynamic stability) performed at Invitae indicates that this missense variant is not expected to disrupt RBM20 protein function. This sequence change replaces threonine, which is neutral and polar, with isoleucine, which is neutral and non-polar, at codon 270 of the RBM20 protein (p.Thr270Ile). This variant is not present in population databases (gnomAD no frequency). This variant has not been reported in the literature in individuals affected with RBM20-related conditions. ClinVar contains an entry for this variant (Variation ID: 1959869).